The following is an entry in ClinVar:

ClinVar aggregate classification (germline): Uncertain significance. Review status: criteria provided, multiple submitters, no conflicts (2 of 4 stars). 2 submissions from 2 submitters: Uncertain significance (2). Last evaluated 2024-12-18.

Conditions:
Inborn genetic diseases. Identifiers: MedGen C0950123, MeSH D030342.
MHC class II deficiency. Also called: Bare lymphocyte syndrome 2; BLS, TYPE II. Identifiers: Orphanet 572, MedGen C5447452, MONDO:0008855.

Allele frequency attached by ClinVar (database versions not stated): ExAC 0.00001; gnomAD 0.00001; gnomAD exomes 0.00001; 1000 Genomes Project 30x 0.00016; 1000 Genomes Project 0.00020.
gnomAD v4.1: 10 of 1,613,770 alleles (0.00062%); highest among the groups gnomAD compares: African/African-American, 0.0013%; no homozygotes.

Submissions (2):

Labcorp Genetics (formerly Invitae), Labcorp
Classification: Uncertain significance for MHC class II deficiency. Last evaluated: 2024-12-18. Review status: criteria provided, single submitter. Criteria: Invitae Variant Classification Sherloc (09022015). Collection method: clinical testing. Allele origin: germline.
Comment: This sequence change replaces arginine, which is basic and polar, with serine, which is neutral and polar, at codon 369 of the CIITA protein (p.Arg369Ser). This variant is present in population databases (rs556203901, gnomAD 0.007%). This variant has not been reported in the literature in individuals affected with CIITA-related conditions. ClinVar contains an entry for this variant (Variation ID: 2161630). An algorithm developed to predict the effect of missense changes on protein structure and function (PolyPhen-2) suggests that this variant is likely to be tolerated. In summary, the available evidence is currently insufficient to determine the role of this variant in disease. Therefore, it has been classified as a Variant of Uncertain Significance.

Ambry Genetics
Classification: Uncertain significance for Inborn genetic diseases. Last evaluated: 2023-11-20. Review status: criteria provided, single submitter. Criteria: Ambry Variant Classification Scheme 2023. Collection method: clinical testing. Allele origin: germline.

NM_000246.4(CIITA):c.1107G>T (p.Arg369Ser)

Gene: CIITA (class II major histocompatibility complex transactivator; plus strand). Cytogenetic location: 16p13.13.
Variant type: single nucleotide variant.
Coding change: c.1107G>T on transcript NM_000246.4 (MANE Select); coding-DNA position 1107, G replaced by T.
Protein change: p.Arg369Ser; replaces arginine 369 with serine.
Molecular consequence: missense variant. On other transcripts: intron variant (1).
Genome position (GRCh38, 1-based): chr16:10,906,599, G>T. VCF-style: chr16-10906599-G-T. GRCh37 (hg19) VCF-style: chr16-11000456-G-T.
Other names: c.1110G>T, p.Arg370Ser (NM_001286402.1, NM_001379332.1); c.963G>T, p.Arg321Ser (NM_001379330.1); c.960G>T, p.Arg320Ser (NM_001379331.1); c.1107G>T, p.Arg369Ser (NM_001379333.1); c.1038G>T, p.Arg346Ser (NM_001379334.1); c.859+1787G>T (NM_001286403.2); short protein forms R321S, R346S, R369S, R320S, R370S.
Identifiers: ClinVar variation 2161630 (VCV002161630.5), dbSNP rs556203901, ClinGen allele CA7900055.
Genomic context (GRCh38, chr16:10,906,599, plus strand): 5'-TGGTGCCGAGCCCGCAGGCCCGGATGGCATCCTAGTGGAGGTGGATCTGGTGCAGGCCAG[G>T]CTGGAGAGGAGCAGCAGCAAGAGCCTGGAGCGGGAACTGGCCACCCCGGACTGGGCAGAA-3'
Protein context (NP_000237.2, residues 359-379): ILVEVDLVQA[Arg369Ser]LERSSSKSLE